The following is an entry in ClinVar:

NM_001376.5(DYNC1H1):c.5941G>A (p.Ala1981Thr)

Gene: DYNC1H1 (dynein cytoplasmic 1 heavy chain 1; plus strand). Cytogenetic location: 14q32.31.
Variant type: single nucleotide variant.
Coding change: c.5941G>A on transcript NM_001376.5 (MANE Select); coding-DNA position 5941, G replaced by A.
Protein change: p.Ala1981Thr; replaces alanine 1981 with threonine.
Molecular consequence: missense variant.
Genome position (GRCh38, 1-based): chr14:102,008,301, G>A. VCF-style: chr14-102008301-G-A. GRCh37 (hg19) VCF-style: chr14-102474638-G-A.
Other names: short protein forms A1981T.
Identifiers: ClinVar variation 4802053 (VCV004802053.1).
Genomic context (GRCh38, chr14:102,008,301, plus strand): 5'-AACCGCCTGGAGGAGCGGATGCTCTCGGCTGTGTCCCAGCAGGTGCAGTGCATACAGGAA[G>A]CACTGCGTGAACATTCCAACCCCAACTACGACAAGAGTAAGACACCTCTTCTTCAAAAAT-3'
Protein context (NP_001367.2, residues 1971-1991): VSQQVQCIQE[Ala1981Thr]LREHSNPNYD

ClinVar aggregate classification (germline): Uncertain significance (1 of 4 stars; one submission).

Conditions:
Charcot-Marie-Tooth disease axonal type 2O. Also called: CHARCOT-MARIE-TOOTH NEUROPATHY, AXONAL, TYPE 2O; CHARCOT-MARIE-TOOTH DISEASE, AXONAL, AUTOSOMAL DOMINANT, TYPE 2O; Charcot-Marie-Tooth Neuropathy Type 2O; Charcot-Marie-Tooth disease, axonal, type 20. Identifiers: Orphanet 284232, MedGen C3280220, MONDO:0013644, OMIM 614228.

Submission:

Labcorp Genetics (formerly Invitae), Labcorp
Classification: Uncertain significance for Charcot-Marie-Tooth disease axonal type 2O. Last evaluated: 2025-04-09. Review status: criteria provided, single submitter. Criteria: Invitae Variant Classification Sherloc (09022015). Collection method: clinical testing. Allele origin: germline.
Comment: This sequence change replaces alanine, which is neutral and non-polar, with threonine, which is neutral and polar, at codon 1981 of the DYNC1H1 protein (p.Ala1981Thr). This variant is not present in population databases (gnomAD no frequency). This variant has not been reported in the literature in individuals affected with DYNC1H1-related conditions. Invitae Evidence Modeling of protein sequence and biophysical properties (such as structural, functional, and spatial information, amino acid conservation, physicochemical variation, residue mobility, and thermodynamic stability) has been performed for this missense variant. However, the output from this modeling did not meet the statistical confidence thresholds required to predict the impact of this variant on DYNC1H1 protein function. In summary, the available evidence is currently insufficient to determine the role of this variant in disease. Therefore, it has been classified as a Variant of Uncertain Significance.